The following is an entry in ClinVar:

ClinVar aggregate classification (germline): Uncertain significance. Review status: criteria provided, multiple submitters, no conflicts (2 of 4 stars). 2 submissions from 2 submitters: Uncertain significance (2). Last evaluated 2025-01-09.

Conditions:
Hereditary sensory neuropathy-deafness-dementia syndrome. Also called: Hereditary Sensory and Autonomic Neuropathy Type 1E (HSAN1E); NEUROPATHY, HEREDITARY SENSORY, WITH HEARING LOSS AND DEMENTIA; Hereditary sensory neuropathy type IE; HSN IE. Identifiers: Orphanet 456318, MedGen C3279885, MONDO:0013584, OMIM 614116.

gnomAD v4.1: 1 of 1,614,090 alleles (0.000062%); highest among the groups gnomAD compares: Non-Finnish European, 0.000085%; no homozygotes.

Submissions (2):

GeneDx
Classification: Uncertain significance. Last evaluated: 2025-01-09. Review status: criteria provided, single submitter. Criteria: GeneDx Variant Classification Process June 2021. Collection method: clinical testing. Allele origin: germline. Affected: yes.
Comment: Not observed at significant frequency in large population cohorts (gnomAD); In silico analysis supports that this missense variant has a deleterious effect on protein structure/function; Has not been previously published as pathogenic or benign to our knowledge

Labcorp Genetics (formerly Invitae), Labcorp
Classification: Uncertain significance for Hereditary sensory neuropathy-deafness-dementia syndrome. Last evaluated: 2024-07-30. Review status: criteria provided, single submitter. Criteria: Invitae Variant Classification Sherloc (09022015). Collection method: clinical testing. Allele origin: germline.
Comment: This sequence change replaces glutamic acid, which is acidic and polar, with lysine, which is basic and polar, at codon 1534 of the DNMT1 protein (p.Glu1534Lys). This variant is present in population databases (no rsID available, gnomAD 0.0009%). This variant has not been reported in the literature in individuals affected with DNMT1-related conditions. Advanced modeling of protein sequence and biophysical properties (such as structural, functional, and spatial information, amino acid conservation, physicochemical variation, residue mobility, and thermodynamic stability) has been performed at Invitae for this missense variant, however the output from this modeling did not meet the statistical confidence thresholds required to predict the impact of this variant on DNMT1 protein function. In summary, the available evidence is currently insufficient to determine the role of this variant in disease. Therefore, it has been classified as a Variant of Uncertain Significance.

NM_001130823.3(DNMT1):c.4600G>A (p.Glu1534Lys)

Genes: DNMT1 (DNA methyltransferase 1; minus strand), LOC126862853 (CDK7 strongly-dependent group 2 enhancer GRCh37_chr19:10246117-10247316; plus strand). Cytogenetic location: 19p13.2.
Variant type: single nucleotide variant.
Coding change: c.4600G>A on transcript NM_001130823.3 (MANE Select); coding-DNA position 4600, G replaced by A.
Protein change: p.Glu1534Lys; replaces glutamic acid 1534 with lysine.
Molecular consequence: missense variant.
Genome position (GRCh38, 1-based): chr19:10,136,177, C>T on the plus strand (G>A on the coding strand, the complement: DNMT1 is on the minus strand). VCF-style: chr19-10136177-C-T. GRCh37 (hg19) VCF-style: chr19-10246853-C-T.
Other names: c.4561G>A, p.Glu1521Lys (NM_001318730.2); c.4237G>A, p.Glu1413Lys (NM_001318731.2); c.4552G>A, p.Glu1518Lys (NM_001379.4); short protein forms E1521K, E1413K, E1518K, E1534K.
Identifiers: ClinVar variation 3699547 (VCV003699547.3).